The following is an entry in ClinVar:

ClinVar aggregate classification (germline): Uncertain significance (0 of 4 stars; one submission).

Conditions:
KIDINS220-related disorder. Also called: KIDINS220-related condition.

gnomAD v4.1: 11 of 1,289,224 alleles (0.00085%); highest among the groups gnomAD compares: East Asian, 0.011%; no homozygotes.

Submission:

PreventionGenetics, part of Exact Sciences
Classification: Uncertain significance for KIDINS220-related condition. Last evaluated: 2024-04-18. Review status: no assertion criteria provided. Collection method: clinical testing. Allele origin: germline.
Comment: The KIDINS220 c.3905T>C variant is predicted to result in the amino acid substitution p.Ile1302Thr. In an alternative transcript (NM_020738), this variant is post-coding: c.*3799T>C. To our knowledge, this variant has not been reported in the literature. This variant is reported in 0.0095% of alleles in individuals of East Asian descent in gnomAD. At this time, the clinical significance of this variant is uncertain due to the absence of conclusive functional and genetic evidence.

NM_001348743.2(KIDINS220):c.3905T>C (p.Ile1302Thr)

Gene: KIDINS220 (kinase D interacting substrate 220; minus strand). Cytogenetic location: 2p25.1.
Variant type: single nucleotide variant.
Coding change: c.3905T>C on transcript NM_001348743.2; coding-DNA position 3905, T replaced by C.
Protein change: p.Ile1302Thr; replaces isoleucine 1302 with threonine.
Molecular consequence: missense variant. On other transcripts: non-coding transcript variant (2).
Genome position (GRCh38, 1-based): chr2:8,726,921, A>G on the plus strand (T>C on the coding strand, the complement: KIDINS220 is on the minus strand). VCF-style: chr2-8726921-A-G. GRCh37 (hg19) VCF-style: chr2-8867051-A-G.
Other names: c.4019T>C, p.Ile1340Thr (NM_001348738.2); c.3908T>C, p.Ile1303Thr (NM_001348739.2, NM_001348740.2); c.3905T>C, p.Ile1302Thr (NM_001348741.2, NM_001348742.2); short protein forms I1302T, I1303T, I1340T.
Identifiers: ClinVar variation 3355670 (VCV003355670.1).
Genomic context (GRCh38, chr2:8,726,921, plus strand): 5'-ACTTCGAAAACTAATTTTTTACATACCTTAGTTTAATCTGGATCCTCTGAAGAGCTATCT[A>G]TCTCAAGGCCAGCATTTTCTTCCTAGGCATGAAAGGGTTTAAAATTATGTAAGATTGTAA-3'